The following is an entry in ClinVar:

ClinVar aggregate classification (germline): Conflicting classifications of pathogenicity. Review status: criteria provided, conflicting classifications (1 of 4 stars). 2 submissions from 2 submitters: Likely pathogenic (1); Uncertain significance (1). Last evaluated 2025-06-20.

Conditions:
Polycystic kidney disease, adult type (PKD1). Also called: Polycystic Kidney Disease 1, Autosomal Dominant; Polycystic kidney disease 1; Polycystic kidney disease 1, severe; Polycystic Kidney, Autosomal Dominant; POLYCYSTIC KIDNEY DISEASE, ADULT, TYPE I; POLYCYSTIC KIDNEY DISEASE 1 WITH OR WITHOUT POLYCYSTIC LIVER DISEASE. Identifiers: MedGen C3149841, MONDO:0008263, OMIM 173900.

Submissions (2):

Women's Health and Genetics/Laboratory Corporation of America, LabCorp
Classification: Uncertain significance. Last evaluated: 2025-06-20. Review status: criteria provided, single submitter. Criteria: LabCorp Variant Classification Summary - May 2015. Collection method: clinical testing. Allele origin: germline.
Comment: Variant summary: PKD1 c.692T>C (p.Leu231Pro) results in a non-conservative amino acid change in the encoded protein sequence. Algorithms developed to predict the effect of missense changes on protein structure and function are either unavailable or do not agree on the potential impact of this missense change. The variant was absent in 136382 control chromosomes. The available data on variant occurrences in the general population are insufficient to allow any conclusion about variant significance. c.692T>C has been observed in individual(s) affected with PKD1-Polycystic Kidney Disease (Yu_2022). These report(s) do not provide unequivocal conclusions about association of the variant with PKD1- Polycystic Kidney Disease. To our knowledge, no experimental evidence demonstrating an impact on protein function has been reported. The following publication have been ascertained in the context of this evaluation (PMID: 35778421). ClinVar contains an entry for this variant (Variation ID: 3579818). Based on the evidence outlined above, the variant was classified as uncertain significance.

Fulgent Genetics
Classification: Likely pathogenic for Polycystic kidney disease, adult type. Last evaluated: 2024-01-29. Review status: criteria provided, single submitter. Criteria: ACMG Guidelines, 2015. Collection method: clinical testing. Allele origin: germline.

Literature cited by the submitters: PubMed 35778421 (cited by Women's Health and Genetics/Laboratory Corporation of America, LabCorp).

NM_001009944.3(PKD1):c.692T>C (p.Leu231Pro)

Gene: PKD1 (polycystin 1, transient receptor potential channel interacting; minus strand). Cytogenetic location: 16p13.3.
Variant type: single nucleotide variant.
Coding change: c.692T>C on transcript NM_001009944.3 (MANE Select); coding-DNA position 692, T replaced by C.
Protein change: p.Leu231Pro; replaces leucine 231 with proline.
Molecular consequence: missense variant.
Genome position (GRCh38, 1-based): chr16:2,118,300, A>G on the plus strand (T>C on the coding strand, the complement: PKD1 is on the minus strand). VCF-style: chr16-2118300-A-G. GRCh37 (hg19) VCF-style: chr16-2168301-A-G.
Other names: c.692T>C, p.Leu231Pro (NM_000296.4); short protein forms L231P.
Identifiers: ClinVar variation 3579818 (VCV003579818.2).